The following is an entry in ClinVar:

ClinVar aggregate classification (germline): Uncertain significance (1 of 4 stars; one submission).

Conditions:
GNAS-related disorder. Identifiers: MedGen CN380105.

Allele frequency attached by ClinVar (database versions not stated): gnomAD exomes 0.00001; gnomAD 0.00001; TOPMed 0.00001; ExAC 0.00003.
gnomAD v4.1: 11 of 1,612,904 alleles (0.00068%); highest among the groups gnomAD compares: Admixed American, 0.0017%; no homozygotes.

Submission:

PreventionGenetics, part of Exact Sciences
Classification: Uncertain significance for GNAS-related condition. Last evaluated: 2026-04-14. Review status: criteria provided, single submitter. Criteria: ACMG Guidelines, 2015. Collection method: clinical testing. Allele origin: germline.
Comment: The GNAS c.1787G>A variant is predicted to result in the amino acid substitution p.Arg596Gln. This variant occurs in the precoding region of the primary GNAS transcript (NM_000516.7, c.-36675G>A). To our knowledge, this variant has not been reported in the literature. This variant is reported in 0.0027% of alleles in individuals of European (non-Finnish) descent in gnomAD. At this time, the clinical significance of this variant is uncertain due to the absence of conclusive functional and genetic evidence.

NM_080425.4(GNAS):c.1787G>A (p.Arg596Gln)

Gene: GNAS (GNAS complex locus; plus strand). Cytogenetic location: 20q13.32.
Variant type: single nucleotide variant.
Coding change: c.1787G>A on transcript NM_080425.4 (MANE Plus Clinical); coding-DNA position 1787, G replaced by A.
Protein change: p.Arg596Gln; replaces arginine 596 with glutamine.
Molecular consequence: missense variant. On other transcripts: intron variant (3).
Genome position (GRCh38, 1-based): chr20:58,855,052, G>A. VCF-style: chr20-58855052-G-A. GRCh37 (hg19) VCF-style: chr20-57430107-G-A.
Other names: c.1600G>A, p.Glu534Lys (NM_001077490.3, NM_001309883.1); c.1787G>A, p.Arg596Gln (NM_001410913.1); c.*42+14166G>A (NM_016592.5); c.43+14166G>A (NM_001410912.1); c.-39+13177G>A (NM_001309861.2); short protein forms E534K, R596Q.
Identifiers: ClinVar variation 2634976 (VCV002634976.2), dbSNP rs764411331, ClinGen allele CA9926765.